The following is an entry in ClinVar:

NM_015610.4(WIPI2):c.397C>T (p.Leu133=)

Gene: WIPI2 (WD repeat domain, phosphoinositide interacting 2; plus strand). Cytogenetic location: 7p22.1.
Variant type: single nucleotide variant.
Coding change: c.397C>T on transcript NM_015610.4 (MANE Select); coding-DNA position 397, C replaced by T.
Protein change: p.Leu133=; no amino-acid change (leucine 133 retained).
Molecular consequence: synonymous variant. On other transcripts: 5 prime UTR variant (1).
Genome position (GRCh38, 1-based): chr7:5,216,578, C>T. VCF-style: chr7-5216578-C-T. GRCh37 (hg19) VCF-style: chr7-5256209-C-T.
Other names: c.397C>T, p.Leu133= (NM_001033518.2); c.343C>T, p.Leu115= (NM_001033519.2, NM_016003.4); c.220C>T, p.Leu74= (NM_001033520.1); c.-36C>T (NM_001278299.2); c.397C>T (NM_015610.3).
Identifiers: ClinVar variation 716002 (VCV000716002.29), dbSNP rs146199183, ClinGen allele CA4141675.

ClinVar aggregate classification (germline): Likely benign. Review status: criteria provided, multiple submitters, no conflicts (2 of 4 stars). 4 submissions from 4 submitters: Likely benign (3). 1 of the submissions does not count toward it. Last evaluated 2024-11-04.

Conditions:
WIPI2-related disorder. Also called: WIPI2-related condition.

Allele frequency attached by ClinVar (database versions not stated): ExAC 0.00061; gnomAD 0.00063; gnomAD exomes 0.00068 and 0.00101; 1000 Genomes Project 30x 0.00078; 1000 Genomes Project 0.00080; TOPMed 0.00082; ESP Exome Variant Server 0.00092.
gnomAD v4.1: 1,573 of 1,614,188 alleles (0.097%); highest among the groups gnomAD compares: Admixed American, 0.13%; 1 homozygote.

Submissions (4):

Blueprint Genetics
Classification: Likely benign. Last evaluated: 2024-11-04. Review status: criteria provided, single submitter. Criteria: ACMG Guidelines, 2015. Collection method: clinical testing. Allele origin: germline.

CeGaT Center for Human Genetics Tuebingen
Classification: Likely benign. Last evaluated: 2023-04-01. Review status: criteria provided, single submitter. Criteria: CeGaT Center For Human Genetics Tuebingen Variant Classification Criteria Version 2. Collection method: clinical testing. Allele origin: germline. Affected: yes. Observed: 2 variant alleles.
Comment: WIPI2: BP4, BP7

Labcorp Genetics (formerly Invitae), Labcorp
Classification: Likely benign. Last evaluated: 2018-07-12. Review status: criteria provided, single submitter. Criteria: Invitae Variant Classification Sherloc (09022015). Collection method: clinical testing. Allele origin: germline.

PreventionGenetics, part of Exact Sciences
Classification: Likely benign for WIPI2-related condition. Last evaluated: 2020-03-02. Review status: no assertion criteria provided. Collection method: clinical testing. Allele origin: germline. Not counted in ClinVar's aggregate classification.
Comment: This variant is classified as likely benign based on ACMG/AMP sequence variant interpretation guidelines (Richards et al. 2015 PMID: 25741868, with internal and published modifications).